The following is an entry in ClinVar:

NM_014319.5(LEMD3):c.1627+7G>A

Gene: LEMD3 (LEM domain containing 3; plus strand). Cytogenetic location: 12q14.3.
Variant type: single nucleotide variant.
Coding change: c.1627+7G>A on transcript NM_014319.5 (MANE Select); 7 bases into the intron after coding-DNA position 1627, G replaced by A.
Molecular consequence: intron variant.
Genome position (GRCh38, 1-based): chr12:65,216,050, G>A. VCF-style: chr12-65216050-G-A. GRCh37 (hg19) VCF-style: chr12-65609830-G-A.
Other names: c.1624+7G>A (NM_001167614.2).
Identifiers: ClinVar variation 4885724 (VCV004885724.2).

ClinVar aggregate classification (germline): Uncertain significance (1 of 4 stars; one submission).

Submission:

Dasa
Classification: Uncertain significance. Last evaluated: 2024-07-15. Review status: criteria provided, single submitter. Criteria: DASA Assertion Criteria. Collection method: clinical testing. Allele origin: germline.
Comment: NM_014319.5(LEMD3):c.1627+7G>A is a splice-region variant. This variant is rare in population databases. Computational prediction algorithms are consistent with a benign effect. The currently available literature and clinical evidence are not sufficient to establish a definitive association between this variant and the reported condition. Therefore, this variant is classified as a variant of uncertain significance.